The following is an entry in ClinVar:

NM_152743.4(BRAT1):c.127G>C (p.Glu43Gln)

Gene: BRAT1 (BRCA1 associated ATM activator 1; minus strand). Cytogenetic location: 7p22.3.
Variant type: single nucleotide variant.
Coding change: c.127G>C on transcript NM_152743.4 (MANE Select); coding-DNA position 127, G replaced by C.
Protein change: p.Glu43Gln; replaces glutamic acid 43 with glutamine.
Molecular consequence: missense variant. On other transcripts: 5 prime UTR variant (1), non-coding transcript variant (1).
Genome position (GRCh38, 1-based): chr7:2,554,305, C>G on the plus strand (G>C on the coding strand, the complement: BRAT1 is on the minus strand). VCF-style: chr7-2554305-C-G. GRCh37 (hg19) VCF-style: chr7-2593939-C-G.
Other names: c.127G>C, p.Glu43Gln (NM_001350626.2); c.-251G>C (NM_001350627.2); short protein forms E43Q.
Identifiers: ClinVar variation 3389737 (VCV003389737.14).

ClinVar aggregate classification (germline): Uncertain significance (1 of 4 stars; one submission).

gnomAD v4.1: 4 of 1,613,476 alleles (0.00025%); highest among the groups gnomAD compares: Middle Eastern, 0.016%; no homozygotes.

Submission:

CeGaT Center for Human Genetics Tuebingen
Classification: Uncertain significance. Last evaluated: 2025-04-01. Review status: criteria provided, single submitter. Criteria: CeGaT Center For Human Genetics Tuebingen Variant Classification Criteria Version 2. Collection method: clinical testing. Allele origin: germline. Affected: yes. Observed: 2 variant alleles.
Comment: BRAT1: PM2, PM3, BP4